The following is an entry in ClinVar:

ClinVar aggregate classification (germline): Uncertain significance (1 of 4 stars; one submission).

Submission:

Greenwood Genetic Center Diagnostic Laboratories, Greenwood Genetic Center
Classification: Uncertain significance. Last evaluated: 2021-09-23. Review status: criteria provided, single submitter. Criteria: ACMG Guidelines, 2015. Collection method: clinical testing. Allele origin: germline. Affected: yes.
Comment: PM2

NM_001003694.2(BRPF1):c.3558dup (p.Lys1187fs)

Gene: BRPF1 (bromodomain and PHD finger containing 1; plus strand). Cytogenetic location: 3p25.3.
Variant type: Duplication.
Coding change: c.3558dup on transcript NM_001003694.2 (MANE Select); coding-DNA position 3558, one base duplicated (C; older notation c.3558dupC).
Protein change: p.Lys1187fs; shifts the reading frame from lysine 1187.
Molecular consequence: frameshift variant. On other transcripts: non-coding transcript variant (1).
Genome position (GRCh38, 1-based): chr3:9,747,244, C duplicated. VCF-style (leftmost placement, unchanged base first): chr3-9747243-G-GC. GRCh37 (hg19) VCF-style: chr3-9788927-G-GC.
Other names: c.3255dup, p.Lys1086fs (NM_001319049.2); c.3537dup, p.Lys1180fs (NM_001319050.2); c.3540dup, p.Lys1181fs (NM_004634.3); short protein forms K1086fs, K1180fs, K1181fs, K1187fs.
Identifiers: ClinVar variation 1334578 (VCV001334578.4), dbSNP rs2125517980, ClinGen allele CA2573052259.